The following is an entry in ClinVar:

NM_015909.4(NBAS):c.3180A>G (p.Ser1060=)

Gene: NBAS (NBAS subunit of NRZ tethering complex; minus strand). Cytogenetic location: 2p24.3.
Variant type: single nucleotide variant.
Coding change: c.3180A>G on transcript NM_015909.4 (MANE Select); coding-DNA position 3180, A replaced by G.
Protein change: p.Ser1060=; no amino-acid change (serine 1060 retained).
Molecular consequence: synonymous variant. On other transcripts: non-coding transcript variant (1).
Genome position (GRCh38, 1-based): chr2:15,394,304, T>C on the plus strand (A>G on the coding strand, the complement: NBAS is on the minus strand). VCF-style: chr2-15394304-T-C. GRCh37 (hg19) VCF-style: chr2-15534428-T-C.
Other names: c.3180A>G (NM_015909.3).
Identifiers: ClinVar variation 1571255 (VCV001571255.9), dbSNP rs202192997, ClinGen allele CA1536116.

ClinVar aggregate classification (germline): Likely benign. Review status: criteria provided, multiple submitters, no conflicts (2 of 4 stars). 2 submissions from 2 submitters: Likely benign (2). Last evaluated 2026-04-08.

Conditions:
NBAS-related disorder. Also called: NBAS-related condition.

Allele frequency attached by ClinVar (database versions not stated): gnomAD exomes 0.00002; ExAC 0.00004; ESP Exome Variant Server 0.00008; 1000 Genomes Project 0.00020; 1000 Genomes Project 30x 0.00031.
gnomAD v4.1: 47 of 1,613,318 alleles (0.0029%); highest among the groups gnomAD compares: African/African-American, 0.053%; no homozygotes.

Submissions (2):

PreventionGenetics, part of Exact Sciences
Classification: Likely benign for NBAS-related condition. Last evaluated: 2026-04-08. Review status: criteria provided, single submitter. Criteria: ACMG Guidelines, 2015. Collection method: clinical testing. Allele origin: germline.
Comment: This variant is classified as likely benign based on ACMG/AMP sequence variant interpretation guidelines (Richards et al. 2015 PMID: 25741868, with internal and published modifications).

Labcorp Genetics (formerly Invitae), Labcorp
Classification: Likely benign. Last evaluated: 2026-01-12. Review status: criteria provided, single submitter. Criteria: Invitae Variant Classification Sherloc (09022015). Collection method: clinical testing. Allele origin: germline.